The following is an entry in ClinVar:

ClinVar aggregate classification (germline): Uncertain significance (1 of 4 stars; one submission).

Allele frequency attached by ClinVar (database versions not stated): gnomAD exomes below 0.00001.
gnomAD v4.1: 3 of 1,613,824 alleles (0.00019%); highest among the groups gnomAD compares: South Asian, 0.0011%; no homozygotes.

Submission:

Labcorp Genetics (formerly Invitae), Labcorp
Classification: Uncertain significance. Last evaluated: 2024-07-08. Review status: criteria provided, single submitter. Criteria: Invitae Variant Classification Sherloc (09022015). Collection method: clinical testing. Allele origin: germline.
Comment: This sequence change replaces histidine, which is basic and polar, with tyrosine, which is neutral and polar, at codon 2135 of the PCLO protein (p.His2135Tyr). This variant is present in population databases (no rsID available, gnomAD 0.0009%). This variant has not been reported in the literature in individuals affected with PCLO-related conditions. ClinVar contains an entry for this variant (Variation ID: 2052245). Experimental studies and prediction algorithms are not available or were not evaluated, and the functional significance of this variant is currently unknown. In summary, the available evidence is currently insufficient to determine the role of this variant in disease. Therefore, it has been classified as a Variant of Uncertain Significance.

NM_033026.6(PCLO):c.6403C>T (p.His2135Tyr)

Gene: PCLO (piccolo presynaptic cytomatrix protein; minus strand). Cytogenetic location: 7q21.11.
Variant type: single nucleotide variant.
Coding change: c.6403C>T on transcript NM_033026.6 (MANE Select); coding-DNA position 6403, C replaced by T.
Protein change: p.His2135Tyr; replaces histidine 2135 with tyrosine.
Molecular consequence: missense variant.
Genome position (GRCh38, 1-based): chr7:82,954,550, G>A on the plus strand (C>T on the coding strand, the complement: PCLO is on the minus strand). VCF-style: chr7-82954550-G-A. GRCh37 (hg19) VCF-style: chr7-82583866-G-A.
Other names: c.6403C>T, p.His2135Tyr (NM_014510.3); short protein forms H2135Y.
Identifiers: ClinVar variation 2052245 (VCV002052245.4), dbSNP rs1470276849, ClinGen allele CA367919577.